The following is an entry in ClinVar:

NM_152468.5(TMC8):c.298+6A>G

Genes: TMC6 (transmembrane channel like 6; minus strand), TMC8 (transmembrane channel like 8; plus strand). Cytogenetic location: 17q25.3.
Variant type: single nucleotide variant.
Coding change: c.298+6A>G on transcript NM_152468.5 (MANE Select); 6 bases into the intron after coding-DNA position 298, A replaced by G.
Molecular consequence: intron variant.
Genome position (GRCh38, 1-based): chr17:78,132,036, A>G. VCF-style: chr17-78132036-A-G. GRCh37 (hg19) VCF-style: chr17-76128117-A-G.
Other names: c.-75+305T>C (NM_007267.7).
Identifiers: ClinVar variation 4737911 (VCV004737911.1).
Genomic context (GRCh38, chr17:78,132,036, plus strand): 5'-CAGCGGCTGGCCCGGGGCCTTGGGCTCTGGGAGGGGGCGCTCTACGAGATCGGGGGTAGG[A>G]CCCGCGCGACCCGCACCTCCCCTTGCCCTCTCTGGAGCCCCACTGCCCAGATCGGAAAAA-3'

ClinVar aggregate classification (germline): Uncertain significance (1 of 4 stars; one submission).

Conditions:
Epidermodysplasia verruciformis. Identifiers: Orphanet 302, MedGen C0014522, MONDO:0009176.

gnomAD v4.1: 5 of 1,534,260 alleles (0.00033%); highest among the groups gnomAD compares: Non-Finnish European, 0.00044%; no homozygotes.

Submission:

Labcorp Genetics (formerly Invitae), Labcorp
Classification: Uncertain significance for Epidermodysplasia verruciformis. Last evaluated: 2025-08-20. Review status: criteria provided, single submitter. Criteria: Invitae Variant Classification Sherloc (09022015). Collection method: clinical testing. Allele origin: germline.
Comment: This sequence change falls in intron 3 of the TMC8 gene. It does not directly change the encoded amino acid sequence of the TMC8 protein. It affects a nucleotide within the consensus splice site. This variant is present in population databases (no rsID available, gnomAD 0.002%). This variant has not been reported in the literature in individuals affected with TMC8-related conditions. Variants that disrupt the consensus splice site are a relatively common cause of aberrant splicing (PMID: 17576681, 9536098). Algorithms developed to predict the effect of sequence changes on RNA splicing suggest that this variant is not likely to affect RNA splicing. In summary, the available evidence is currently insufficient to determine the role of this variant in disease. Therefore, it has been classified as a Variant of Uncertain Significance.

Literature cited by the submitters: PubMed 17576681; PubMed 9536098.